The following is an entry in ClinVar:

ClinVar aggregate classification (germline): Pathogenic (1 of 4 stars; one submission).

Submission:

Labcorp Genetics (formerly Invitae), Labcorp
Classification: Pathogenic. Last evaluated: 2021-09-21. Review status: criteria provided, single submitter. Criteria: Invitae Variant Classification Sherloc (09022015). Collection method: clinical testing. Allele origin: germline.
Comment: This sequence change creates a premature translational stop signal (p.Asn1020Ilefs*40) in the MSH3 gene. It is expected to result in an absent or disrupted protein product. Loss-of-function variants in MSH3 are known to be pathogenic (PMID: 27476653). This variant is not present in population databases (ExAC no frequency). This variant has not been reported in the literature in individuals affected with MSH3-related conditions. For these reasons, this variant has been classified as Pathogenic.

Literature cited by the submitters: PubMed 27476653.

NM_002439.5(MSH3):c.3059del (p.Asn1020fs)

Gene: MSH3 (mutS homolog 3; plus strand). Cytogenetic location: 5q14.1.
Variant type: Deletion.
Coding change: c.3059del on transcript NM_002439.5 (MANE Select); coding-DNA position 3059, one base deleted (A; older notation c.3059delA).
Protein change: p.Asn1020fs; shifts the reading frame from asparagine 1020.
Molecular consequence: frameshift variant.
Genome position (GRCh38, 1-based): chr5:80,864,871, A deleted; the last of 7 consecutive A bases (chr5:80,864,865-80,864,871); deleting any one gives the same sequence. VCF-style (leftmost placement, unchanged base first): chr5-80864864-GA-G. GRCh37 (hg19) VCF-style: chr5-80160683-GA-G.
Other names: short protein forms N1020fs.
Identifiers: ClinVar variation 1457771 (VCV001457771.6), dbSNP rs973992111, ClinGen allele CA121752174.